The following is an entry in ClinVar:

NM_004766.3(COPB2):c.2617_2621dup (p.Ser876fs)

Gene: COPB2 (COPI coat complex subunit beta 2; minus strand). Cytogenetic location: 3q23.
Variant type: Duplication.
Coding change: c.2617_2621dup on transcript NM_004766.3 (MANE Select); coding-DNA positions 2617 to 2621, 5 bases duplicated (GAAGA; older notation c.2617_2621dupGAAGA).
Protein change: p.Ser876fs; shifts the reading frame from serine 876.
Molecular consequence: frameshift variant. On other transcripts: non-coding transcript variant (1).
Genome position (GRCh38, 1-based): chr3:139,358,204-139,358,208, TCTTC duplicated on the plus strand (GAAGA on the coding strand, the reverse complement: COPB2 is on the minus strand); duplicating any 5 consecutive bases within chr3:139,358,204-139,358,209 gives the same sequence; the c. name uses the placement nearest the transcript's 3' end. VCF-style (leftmost placement, unchanged base first): chr3-139358203-T-TTCTTC. GRCh37 (hg19) VCF-style: chr3-139077045-T-TTCTTC.
Other names: c.2530_2534dup, p.Ser847fs (NM_001410834.1); short protein forms S847fs, S876fs.
Identifiers: ClinVar variation 2579391 (VCV002579391.1), dbSNP rs2472877054, ClinGen allele CA2580617933.

ClinVar aggregate classification (germline): Uncertain significance (1 of 4 stars; one submission).

Submission:

GeneDx
Classification: Uncertain significance. Last evaluated: 2023-03-07. Review status: criteria provided, single submitter. Criteria: GeneDx Variant Classification Process June 2021. Collection method: clinical testing. Allele origin: germline. Affected: yes.
Comment: Not observed at significant frequency in large population cohorts (gnomAD); Frameshift variant predicted to result in protein truncation as the last 31 amino acids are replaced with 6 different amino acids, although loss-of-function variants have not been reported downstream of this position in the protein; Has not been previously published as pathogenic or benign to our knowledge